The following is an entry in ClinVar:

ClinVar aggregate classification (germline): Uncertain significance (1 of 4 stars; one submission).

gnomAD v4.1: 38 of 1,591,074 alleles (0.0024%); highest among the groups gnomAD compares: Non-Finnish European, 0.0031%; no homozygotes.

Submission:

CeGaT Center for Human Genetics Tuebingen
Classification: Uncertain significance. Last evaluated: 2024-11-01. Review status: criteria provided, single submitter. Criteria: CeGaT Center For Human Genetics Tuebingen Variant Classification Criteria Version 2. Collection method: clinical testing. Allele origin: germline. Affected: yes. Observed: 1 variant allele.
Comment: XRCC1: PM2

NM_006297.3(XRCC1):c.632A>G (p.Tyr211Cys)

Gene: XRCC1 (X-ray repair cross complementing 1; minus strand). Cytogenetic location: 19q13.31.
Variant type: single nucleotide variant.
Coding change: c.632A>G on transcript NM_006297.3 (MANE Select); coding-DNA position 632, A replaced by G.
Protein change: p.Tyr211Cys; replaces tyrosine 211 with cysteine.
Molecular consequence: missense variant.
Genome position (GRCh38, 1-based): chr19:43,553,061, T>C on the plus strand (A>G on the coding strand, the complement: XRCC1 is on the minus strand). VCF-style: chr19-43553061-T-C. GRCh37 (hg19) VCF-style: chr19-44057213-T-C.
Other names: short protein forms Y211C.
Identifiers: ClinVar variation 3389072 (VCV003389072.14).